The following is an entry in ClinVar:

ClinVar aggregate classification (germline): Uncertain significance (1 of 4 stars; one submission).

Conditions:
Epilepsy. Also called: Seizure disorder. Identifiers: MedGen C0014544, MeSH D004827, MONDO:0005027.

Allele frequency attached by ClinVar (database versions not stated): TOPMed 0.00001; gnomAD exomes 0.00001; ExAC 0.00004.
gnomAD v4.1: 12 of 1,610,956 alleles (0.00074%); highest among the groups gnomAD compares: South Asian, 0.0033%; no homozygotes.

Submission:

Labcorp Genetics (formerly Invitae), Labcorp
Classification: Uncertain significance for Epilepsy. Last evaluated: 2022-09-01. Review status: criteria provided, single submitter. Criteria: Invitae Variant Classification Sherloc (09022015). Collection method: clinical testing. Allele origin: germline.
Comment: This sequence change replaces arginine, which is basic and polar, with tryptophan, which is neutral and slightly polar, at codon 53 of the PIGQ protein (p.Arg53Trp). This variant is present in population databases (rs753705578, gnomAD 0.003%). This variant has not been reported in the literature in individuals affected with PIGQ-related conditions. ClinVar contains an entry for this variant (Variation ID: 949652). Algorithms developed to predict the effect of missense changes on protein structure and function are either unavailable or do not agree on the potential impact of this missense change (SIFT: "Deleterious"; PolyPhen-2: "Possibly Damaging"; Align-GVGD: "Class C0"). In summary, the available evidence is currently insufficient to determine the role of this variant in disease. Therefore, it has been classified as a Variant of Uncertain Significance.

NM_004204.5(PIGQ):c.157C>T (p.Arg53Trp)

Gene: PIGQ (phosphatidylinositol glycan anchor biosynthesis class Q; plus strand). Cytogenetic location: 16p13.3.
Variant type: single nucleotide variant.
Coding change: c.157C>T on transcript NM_004204.5 (MANE Select); coding-DNA position 157, C replaced by T.
Protein change: p.Arg53Trp; replaces arginine 53 with tryptophan.
Molecular consequence: missense variant.
Genome position (GRCh38, 1-based): chr16:574,231, C>T. VCF-style: chr16-574231-C-T. GRCh37 (hg19) VCF-style: chr16-624231-C-T.
Other names: c.157C>T, p.Arg53Trp (NM_148920.4); short protein forms R53W.
Identifiers: ClinVar variation 949652 (VCV000949652.5), dbSNP rs753705578, ClinGen allele CA7779794.